The following is an entry in ClinVar:

ClinVar aggregate classification (germline): Conflicting classifications of pathogenicity. Review status: criteria provided, conflicting classifications (1 of 4 stars). 7 submissions from 6 submitters: Uncertain significance (1); Benign (1); Likely benign (5). Last evaluated 2024-12-25.

Conditions:
Autosomal recessive nonsyndromic hearing loss 21. Identifiers: Orphanet 90636, MedGen C1863655, MONDO:0011351, OMIM 603629.
Autosomal dominant nonsyndromic hearing loss 12. Also called: DEAFNESS, AUTOSOMAL DOMINANT 8. Identifiers: Orphanet 90635, MedGen C1832187, MONDO:0011102, OMIM 601543.

Allele frequency attached by ClinVar (database versions not stated): 1000 Genomes Project 30x 0.00031; 1000 Genomes Project 0.00040; TOPMed 0.00055; ESP Exome Variant Server 0.00077; gnomAD exomes 0.00099 and 0.00137; gnomAD 0.00127 and 0.00133; ExAC 0.00150.
gnomAD v4.1: 1,627 of 1,614,202 alleles (0.1%); highest among the groups gnomAD compares: Non-Finnish European, 0.095%; 6 homozygotes.

Submissions (7):

Labcorp Genetics (formerly Invitae), Labcorp
Classification: Benign. Last evaluated: 2024-12-25. Review status: criteria provided, single submitter. Criteria: Invitae Variant Classification Sherloc (09022015). Collection method: clinical testing. Allele origin: germline.

Blueprint Genetics
Classification: Likely benign. Last evaluated: 2024-11-25. Review status: criteria provided, single submitter. Criteria: ACMG Guidelines, 2015. Collection method: clinical testing. Allele origin: germline.

CeGaT Center for Human Genetics Tuebingen
Classification: Likely benign. Last evaluated: 2023-10-01. Review status: criteria provided, single submitter. Criteria: CeGaT Center For Human Genetics Tuebingen Variant Classification Criteria Version 2. Collection method: clinical testing. Allele origin: germline. Affected: yes. Observed: 4 variant alleles.
Comment: TECTA: BP4, BP7

GeneDx
Classification: Likely benign. Last evaluated: 2021-05-04. Review status: criteria provided, single submitter. Criteria: GeneDx Variant Classification Process June 2021. Collection method: clinical testing. Allele origin: germline. Affected: yes.

Illumina Laboratory Services, Illumina
Classification: Uncertain significance for Autosomal recessive nonsyndromic hearing loss 21. Last evaluated: 2018-01-13. Review status: criteria provided, single submitter. Criteria: ICSL Variant Classification Criteria 13 December 2019. Collection method: clinical testing. Allele origin: germline.

Illumina Laboratory Services, Illumina
Classification: Likely benign for Autosomal dominant nonsyndromic hearing loss 12. Last evaluated: 2018-01-13. Review status: criteria provided, single submitter. Criteria: ICSL Variant Classification Criteria 13 December 2019. Collection method: clinical testing. Allele origin: germline.
Comment: This variant was observed in the ICSL laboratory as part of a predisposition screen in an ostensibly healthy population. It had not been previously curated by ICSL or reported in the Human Gene Mutation Database (HGMD: prior to June 1st, 2018), and was therefore a candidate for classification through an automated scoring system. Utilizing variant allele frequency, disease prevalence and penetrance estimates, and inheritance mode, an automated score was calculated to assess if this variant is too frequent to cause the disease. Based on the score and internal cut-off values, a variant classified as likely benign is not then subjected to further curation. The score for this variant resulted in a classification of likely benign for this disease.

Laboratory for Molecular Medicine, Mass General Brigham Personalized Medicine
Classification: Likely benign. Last evaluated: 2012-04-30. Review status: criteria provided, single submitter. Criteria: LMM Criteria. Collection method: clinical testing. Allele origin: germline. Observed: 1 variant allele.
Comment: Leu806Leu in Exon 09 of TECTA: This variant is not expected to have clinical sig nificance because it does not alter an amino acid residue, is not located within the splice consensus sequence, and has been identified in 0.1% (8/7020) of Euro pean American chromosomes from a broad population by the NHLBI Exome Sequencing Project (dbSNP rs138185038).

NM_005422.4(TECTA):c.2418G>A (p.Leu806=)

Genes: TBCEL-TECTA (TBCEL-TECTA readthrough; plus strand), TECTA (tectorin alpha; plus strand), LOC126861365 (P300/CBP strongly-dependent group 1 enhancer GRCh37_chr11:121000154-121001353; plus strand). Cytogenetic location: 11q23.3.
Variant type: single nucleotide variant.
Coding change: c.2418G>A on transcript NM_005422.4 (MANE Select); coding-DNA position 2418, G replaced by A.
Protein change: p.Leu806=; no amino-acid change (leucine 806 retained).
Molecular consequence: synonymous variant.
Genome position (GRCh38, 1-based): chr11:121,129,688, G>A. VCF-style: chr11-121129688-G-A. GRCh37 (hg19) VCF-style: chr11-121000397-G-A.
Other names: c.3375G>A, p.Leu1125= (NM_001378761.1).
Identifiers: ClinVar variation 227994 (VCV000227994.54), dbSNP rs138185038, ClinGen allele CA6326990.